The following is an entry in ClinVar:

NM_033305.3(VPS13A):c.2677G>T (p.Glu893Ter)

Gene: VPS13A (vacuolar protein sorting 13 homolog A; plus strand). Cytogenetic location: 9q21.2.
Variant type: single nucleotide variant.
Coding change: c.2677G>T on transcript NM_033305.3 (MANE Select); coding-DNA position 2677, G replaced by T.
Protein change: p.Glu893Ter; replaces glutamic acid 893 with a stop codon.
Molecular consequence: nonsense.
Genome position (GRCh38, 1-based): chr9:77,276,074, G>T. VCF-style: chr9-77276074-G-T. GRCh37 (hg19) VCF-style: chr9-79890990-G-T.
Other names: NC_000009.11:g.79890990G>T; c.2677G>T, p.Glu893Ter (NM_001018037.2, NM_001018038.3, NM_015186.4); c.2677G>T (NM_033305.2); short protein forms E893*.
Identifiers: ClinVar variation 4357546 (VCV004357546.2).

ClinVar aggregate classification (germline): Likely pathogenic (1 of 4 stars; one submission).

Conditions:
VPS13A-related neurodegenerative disease. Also called: LEVINE-CRITCHLEY SYNDROME; Choreoacanthocytosis; Chorea-acanthocytosis; VPS13A Disease; Choreaacanthocytosis; ACANTHOCYTOSIS WITH NEUROLOGIC DISORDER. Identifiers: Orphanet 2388, MedGen C0393576, MONDO:0008695, OMIM 200150.

Submissions (2):

Natera, Inc.
Classification: Likely pathogenic for Choreaacanthocytosis. Last evaluated: 2024-12-05. Review status: criteria provided, single submitter. Criteria: Natera Variant Classification Schema (03/2026). Collection method: clinical testing. Allele origin: germline.
Comment: The c.2677G>T variant in VPS13A is a nonsense variant predicted to introduce a stop codon at amino acid 893. This variant is expected to result in nonsense mediated decay, truncation, or a dysfunctional protein product. This variant is rare in the general population with a frequency below the threshold expected for the associated phenotype(s). Given the available evidence, this variant is classified as Likely Pathogenic.

Dr. Peter K. Rogan Lab, Western University
No classification provided (evidence only). Condition: Malignant tumor of urinary bladder. Review status: no classification provided. Collection method: in vitro. Allele origin: not applicable. Functional consequence: retained intron. Not counted in ClinVar's aggregate classification.